The following is an entry in ClinVar:

ClinVar aggregate classification (germline): Uncertain significance (1 of 4 stars; one submission).

Submission:

Labcorp Genetics (formerly Invitae), Labcorp
Classification: Uncertain significance. Last evaluated: 2022-11-08. Review status: criteria provided, single submitter. Criteria: Invitae Variant Classification Sherloc (09022015). Collection method: clinical testing. Allele origin: germline.
Comment: This variant has not been reported in the literature in individuals affected with DOCK6-related conditions. This variant is not present in population databases (gnomAD no frequency). This sequence change replaces valine, which is neutral and non-polar, with leucine, which is neutral and non-polar, at codon 405 of the DOCK6 protein (p.Val405Leu). In summary, the available evidence is currently insufficient to determine the role of this variant in disease. Therefore, it has been classified as a Variant of Uncertain Significance. Algorithms developed to predict the effect of sequence changes on RNA splicing suggest that this variant may disrupt the consensus splice site. Advanced modeling of protein sequence and biophysical properties (such as structural, functional, and spatial information, amino acid conservation, physicochemical variation, residue mobility, and thermodynamic stability) performed at Invitae indicates that this missense variant is not expected to disrupt DOCK6 protein function.

NM_020812.4(DOCK6):c.1213G>T (p.Val405Leu)

Gene: DOCK6 (dedicator of cytokinesis 6; minus strand). Cytogenetic location: 19p13.2.
Variant type: single nucleotide variant.
Coding change: c.1213G>T on transcript NM_020812.4 (MANE Select); coding-DNA position 1213, G replaced by T.
Protein change: p.Val405Leu; replaces valine 405 with leucine.
Molecular consequence: missense variant.
Genome position (GRCh38, 1-based): chr19:11,243,602, C>A on the plus strand (G>T on the coding strand, the complement: DOCK6 is on the minus strand). VCF-style: chr19-11243602-C-A. GRCh37 (hg19) VCF-style: chr19-11354278-C-A.
Other names: c.1213G>T, p.Val405Leu (NM_001367830.1); short protein forms V405L.
Identifiers: ClinVar variation 1935397 (VCV001935397.5), dbSNP rs777464659, ClinGen allele CA404110181.
Genomic context (GRCh38, chr19:11,243,602, plus strand): 5'-GCCCCGCCTCCTCACCGCCCTCCGAGTCAGAGTCCCGGTCCAGCTGCCCAGCGCTGCTCA[C>A]GATGTTGGCCAAGTGCACGGCCGTCCAGGCGAAGGGCATGCGGTAGCGGCCCAGGCGGGT-3'
Protein context (NP_065863.2, residues 395-415): AWTAVHLANI[Val405Leu]SSAGQLDRDS